The following is an entry in ClinVar:

ClinVar aggregate classification (germline): Uncertain significance. Review status: criteria provided, multiple submitters, no conflicts (2 of 4 stars). 2 submissions from 2 submitters: Uncertain significance (2). Last evaluated 2025-09-10.

Conditions:
Hereditary nonpolyposis colorectal neoplasms. Identifiers: MedGen C0009405, MeSH D003123.
Hereditary cancer-predisposing syndrome. Also called: Neoplastic Syndromes, Hereditary; Hereditary Cancer Syndrome; Tumor predisposition; Hereditary neoplastic syndrome. Identifiers: Orphanet 140162, MedGen C0027672, MeSH D009386, MONDO:0015356.

Submissions (2):

Ambry Genetics
Classification: Uncertain significance for Hereditary cancer-predisposing syndrome. Last evaluated: 2025-09-10. Review status: criteria provided, single submitter. Criteria: Ambry Variant Classification Scheme 2023. Collection method: clinical testing. Allele origin: germline.
Comment: The p.L337M variant (also known as c.1009T>A), located in coding exon 4 of the MSH6 gene, results from a T to A substitution at nucleotide position 1009. The leucine at codon 337 is replaced by methionine, an amino acid with highly similar properties. This amino acid position is highly conserved in available vertebrate species. In addition, the in silico prediction for this alteration is inconclusive. Based on the available evidence, the clinical significance of this variant remains unclear.

Labcorp Genetics (formerly Invitae), Labcorp
Classification: Uncertain significance for Hereditary nonpolyposis colorectal neoplasms. Last evaluated: 2024-04-29. Review status: criteria provided, single submitter. Criteria: Invitae Variant Classification Sherloc (09022015). Collection method: clinical testing. Allele origin: germline.
Comment: This sequence change replaces leucine, which is neutral and non-polar, with methionine, which is neutral and non-polar, at codon 337 of the MSH6 protein (p.Leu337Met). This variant is not present in population databases (gnomAD no frequency). This variant has not been reported in the literature in individuals affected with MSH6-related conditions. ClinVar contains an entry for this variant (Variation ID: 852137). Advanced modeling of protein sequence and biophysical properties (such as structural, functional, and spatial information, amino acid conservation, physicochemical variation, residue mobility, and thermodynamic stability) performed at Invitae indicates that this missense variant is not expected to disrupt MSH6 protein function with a negative predictive value of 95%. In summary, the available evidence is currently insufficient to determine the role of this variant in disease. Therefore, it has been classified as a Variant of Uncertain Significance.

NM_000179.3(MSH6):c.1009T>A (p.Leu337Met)

Gene: MSH6 (mutS homolog 6; plus strand). Cytogenetic location: 2p16.3.
Variant type: single nucleotide variant.
Coding change: c.1009T>A on transcript NM_000179.3 (MANE Select); coding-DNA position 1009, T replaced by A.
Protein change: p.Leu337Met; replaces leucine 337 with methionine.
Molecular consequence: missense variant.
Genome position (GRCh38, 1-based): chr2:47,798,992, T>A. VCF-style: chr2-47798992-T-A. GRCh37 (hg19) VCF-style: chr2-48026131-T-A.
Other names: c.619T>A, p.Leu207Met (NM_001281492.2); c.103T>A, p.Leu35Met (NM_001281493.2, NM_001281494.2); short protein forms L337M, L35M, L207M.
Identifiers: ClinVar variation 852137 (VCV000852137.13), dbSNP rs1669284367, ClinGen allele CA346741247.